The following is an entry in ClinVar:

NM_001298.3(CNGA3):c.90T>A (p.Asn30Lys)

Gene: CNGA3 (cyclic nucleotide gated channel subunit alpha 3; plus strand). Cytogenetic location: 2q11.2.
Variant type: single nucleotide variant.
Coding change: c.90T>A on transcript NM_001298.3 (MANE Select); coding-DNA position 90, T replaced by A.
Protein change: p.Asn30Lys; replaces asparagine 30 with lysine.
Molecular consequence: missense variant.
Genome position (GRCh38, 1-based): chr2:98,370,065, T>A. VCF-style: chr2-98370065-T-A. GRCh37 (hg19) VCF-style: chr2-98986528-T-A.
Other names: c.90T>A, p.Asn30Lys (NM_001079878.2); short protein forms N30K.
Identifiers: ClinVar variation 1524112 (VCV001524112.8), dbSNP rs1213180679, ClinGen allele CA347828912.

ClinVar aggregate classification (germline): Uncertain significance (1 of 4 stars; one submission).

Allele frequency attached by ClinVar (database versions not stated): gnomAD exomes below 0.00001.
gnomAD v4.1: 15 of 1,613,194 alleles (0.00093%); highest among the groups gnomAD compares: Non-Finnish European, 0.0013%; no homozygotes.

Submission:

Labcorp Genetics (formerly Invitae), Labcorp
Classification: Uncertain significance. Last evaluated: 2021-04-08. Review status: criteria provided, single submitter. Criteria: Invitae Variant Classification Sherloc (09022015). Collection method: clinical testing. Allele origin: germline.
Comment: Advanced modeling of protein sequence and biophysical properties (such as structural, functional, and spatial information, amino acid conservation, physicochemical variation, residue mobility, and thermodynamic stability) performed at Invitae indicates that this missense variant is not expected to disrupt CNGA3 protein function. This variant has not been reported in the literature in individuals with CNGA3-related conditions. This variant is not present in population databases (ExAC no frequency). This sequence change replaces asparagine with lysine at codon 30 of the CNGA3 protein (p.Asn30Lys). The asparagine residue is weakly conserved and there is a moderate physicochemical difference between asparagine and lysine. Algorithms developed to predict the effect of sequence changes on RNA splicing suggest that this variant may create or strengthen a splice site, but this prediction has not been confirmed by published transcriptional studies. In summary, the available evidence is currently insufficient to determine the role of this variant in disease. Therefore, it has been classified as a Variant of Uncertain Significance.